The following is an entry in ClinVar:

NM_002470.4(MYH3):c.3424C>T (p.Arg1142Trp)

Gene: MYH3 (myosin heavy chain 3; minus strand). Cytogenetic location: 17p13.1.
Variant type: single nucleotide variant.
Coding change: c.3424C>T on transcript NM_002470.4 (MANE Select); coding-DNA position 3424, C replaced by T.
Protein change: p.Arg1142Trp; replaces arginine 1142 with tryptophan.
Molecular consequence: missense variant.
Genome position (GRCh38, 1-based): chr17:10,638,348, G>A on the plus strand (C>T on the coding strand, the complement: MYH3 is on the minus strand). VCF-style: chr17-10638348-G-A. GRCh37 (hg19) VCF-style: chr17-10541665-G-A.
Other names: short protein forms R1142W.
Identifiers: ClinVar variation 2713158 (VCV002713158.3), dbSNP rs377485236, ClinGen allele CA8392519.

ClinVar aggregate classification (germline): Uncertain significance (1 of 4 stars; one submission).

Allele frequency attached by ClinVar (database versions not stated): ExAC 0.00002; TOPMed 0.00002; gnomAD 0.00003; ESP Exome Variant Server 0.00008.
gnomAD v4.1: 35 of 1,609,612 alleles (0.0022%); highest among the groups gnomAD compares: South Asian, 0.014%; no homozygotes.

Submission:

Labcorp Genetics (formerly Invitae), Labcorp
Classification: Uncertain significance. Last evaluated: 2024-10-22. Review status: criteria provided, single submitter. Criteria: Invitae Variant Classification Sherloc (09022015). Collection method: clinical testing. Allele origin: germline.
Comment: This sequence change replaces arginine, which is basic and polar, with tryptophan, which is neutral and slightly polar, at codon 1142 of the MYH3 protein (p.Arg1142Trp). This variant is present in population databases (rs377485236, gnomAD 0.02%). This variant has not been reported in the literature in individuals affected with MYH3-related conditions. Invitae Evidence Modeling of protein sequence and biophysical properties (such as structural, functional, and spatial information, amino acid conservation, physicochemical variation, residue mobility, and thermodynamic stability) indicates that this missense variant is not expected to disrupt MYH3 protein function with a negative predictive value of 95%. In summary, the available evidence is currently insufficient to determine the role of this variant in disease. Therefore, it has been classified as a Variant of Uncertain Significance.